The following is an entry in ClinVar:

ClinVar aggregate classification (germline): Uncertain significance. Review status: criteria provided, multiple submitters, no conflicts (2 of 4 stars). 3 submissions from 3 submitters: Uncertain significance (3). Last evaluated 2023-09-15.

Conditions:
Inborn genetic diseases. Identifiers: MedGen C0950123, MeSH D030342.
Neuropathy, hereditary sensory and autonomic, type 2A (HSAN2A). Also called: ACROOSTEOLYSIS, GIACCAI TYPE; ACROOSTEOLYSIS, NEUROGENIC; MORVAN DISEASE; NEUROPATHY, CONGENITAL SENSORY; NEUROPATHY, HEREDITARY SENSORY RADICULAR, AUTOSOMAL RECESSIVE; NEUROPATHY, HEREDITARY SENSORY, TYPE IIA. Identifiers: Orphanet 970, MedGen C2752089, MONDO:0024309, OMIM 201300.
Pseudohypoaldosteronism type 2C (PHA2C). Also called: Pseudohypoaldosteronism Type IIC. Identifiers: Orphanet 757, Orphanet 88940, MedGen C1840391, MONDO:0013778, OMIM 614492.

Allele frequency attached by ClinVar (database versions not stated): gnomAD 0.00001; TOPMed 0.00001.
gnomAD v4.1: 10 of 1,591,642 alleles (0.00063%); highest among the groups gnomAD compares: Middle Eastern, 0.017%; no homozygotes.

Submissions (3):

Labcorp Genetics (formerly Invitae), Labcorp
Classification: Uncertain significance for Neuropathy, hereditary sensory and autonomic, type 2A; Pseudohypoaldosteronism type 2C. Last evaluated: 2023-09-15. Review status: criteria provided, single submitter. Criteria: Invitae Variant Classification Sherloc (09022015). Collection method: clinical testing. Allele origin: germline.
Comment: In summary, the available evidence is currently insufficient to determine the role of this variant in disease. Therefore, it has been classified as a Variant of Uncertain Significance. Advanced modeling of protein sequence and biophysical properties (such as structural, functional, and spatial information, amino acid conservation, physicochemical variation, residue mobility, and thermodynamic stability) performed at Invitae indicates that this missense variant is not expected to disrupt WNK1 protein function. ClinVar contains an entry for this variant (Variation ID: 1430784). This variant has not been reported in the literature in individuals affected with WNK1-related conditions. This variant is not present in population databases (gnomAD no frequency). This sequence change replaces proline, which is neutral and non-polar, with arginine, which is basic and polar, at codon 143 of the WNK1 protein (p.Pro143Arg).

Fulgent Genetics
Classification: Uncertain significance for Neuropathy, hereditary sensory and autonomic, type 2A; Pseudohypoaldosteronism type 2C. Last evaluated: 2022-04-19. Review status: criteria provided, single submitter. Criteria: ACMG Guidelines, 2015. Collection method: clinical testing. Allele origin: unknown.

Ambry Genetics
Classification: Uncertain significance for Inborn genetic diseases. Last evaluated: 2022-03-24. Review status: criteria provided, single submitter. Criteria: Ambry Variant Classification Scheme 2023. Collection method: clinical testing. Allele origin: germline.
Comment: The p.P143R variant (also known as c.428C>G), located in coding exon 1 of the WNK1 gene, results from a C to G substitution at nucleotide position 428. The proline at codon 143 is replaced by arginine, an amino acid with dissimilar properties. This amino acid position is not well conserved in available vertebrate species. In addition, this alteration is predicted to be tolerated by in silico analysis. Since supporting evidence is limited at this time, the clinical significance of this alteration remains unclear.

NM_018979.4(WNK1):c.428C>G (p.Pro143Arg)

Gene: WNK1 (WNK lysine deficient protein kinase 1; plus strand). Cytogenetic location: 12p13.33.
Variant type: single nucleotide variant.
Coding change: c.428C>G on transcript NM_018979.4 (MANE Select); coding-DNA position 428, C replaced by G.
Protein change: p.Pro143Arg; replaces proline 143 with arginine.
Molecular consequence: missense variant.
Genome position (GRCh38, 1-based): chr12:753,993, C>G. VCF-style: chr12-753993-C-G. GRCh37 (hg19) VCF-style: chr12-863159-C-G.
Other names: c.428C>G, p.Pro143Arg (NM_001184985.2, NM_014823.3, NM_213655.5); short protein forms P143R.
Identifiers: ClinVar variation 1430784 (VCV001430784.9), dbSNP rs1231436981, ClinGen allele CA383306354.
Genomic context (GRCh38, chr12:753,993, plus strand): 5'-AGACCGTGACCGCCACCGCCACTTCCCAGGTAGCCCAGCAGCCTCCAGCCGCTGCCGCCC[C>G]TGGGGAACAGGCCGTCGCGGGCCCTGCCCCCTCGACTGTCCCCAGCAGTACCAGCAAAGA-3'
Protein context (NP_061852.3, residues 133-153): VAQQPPAAAA[Pro143Arg]GEQAVAGPAP